The following is an entry in ClinVar:

NM_000078.3(CETP):c.895C>T (p.Arg299Cys)

Gene: CETP (cholesteryl ester transfer protein; plus strand). Cytogenetic location: 16q13.
Variant type: single nucleotide variant.
Coding change: c.895C>T on transcript NM_000078.3 (MANE Select); coding-DNA position 895, C replaced by T.
Protein change: p.Arg299Cys; replaces arginine 299 with cysteine.
Molecular consequence: missense variant. On other transcripts: intron variant (1).
Genome position (GRCh38, 1-based): chr16:56,973,475, C>T. VCF-style: chr16-56973475-C-T. GRCh37 (hg19) VCF-style: chr16-57007387-C-T.
Other names: c.750+1392C>T (NM_001286085.2); short protein forms R299C.
Identifiers: ClinVar variation 2539456 (VCV002539456.7), dbSNP rs142459781, ClinGen allele CA8071132.

ClinVar aggregate classification (germline): Uncertain significance. Review status: criteria provided, multiple submitters, no conflicts (2 of 4 stars). 4 submissions from 4 submitters: Uncertain significance (3). 1 of the submissions does not count toward it. Last evaluated 2026-03-30.

Conditions:
Hyperalphalipoproteinemia 1 (HALP1). Also called: CETP-Related Hyperalphalipoproteinemia; CETP DEFICIENCY. Identifiers: MedGen C3149462, OMIM 143470.

Allele frequency attached by ClinVar (database versions not stated): ExAC 0.00009; TOPMed 0.00012; gnomAD 0.00013; 1000 Genomes Project 30x 0.00031; ESP Exome Variant Server 0.00023; 1000 Genomes Project 0.00040.
gnomAD v4.1: 89 of 1,614,162 alleles (0.0055%); highest among the groups gnomAD compares: African/African-American, 0.025%; no homozygotes.

Submissions (4):

Ambry Genetics
Classification: Uncertain significance. Last evaluated: 2026-03-30. Review status: criteria provided, single submitter. Criteria: Ambry Variant Classification Scheme 2023. Collection method: clinical testing. Allele origin: germline.
Comment: The c.895C>T (p.R299C) alteration is located in exon 9 (coding exon 9) of the CETP gene. This alteration results from a C to T substitution at nucleotide position 895, causing the arginine (R) at amino acid position 299 to be replaced by a cysteine (C). Based on data from gnomAD, the T allele has an overall frequency of 0.009% (24/282814) total alleles studied. The highest observed frequency was 0.032% (8/24960) of African alleles. Based on insufficient or conflicting evidence, the clinical significance of this alteration remains unclear.

Labcorp Genetics (formerly Invitae), Labcorp
Classification: Uncertain significance. Last evaluated: 2026-01-28. Review status: criteria provided, single submitter. Criteria: Invitae Variant Classification Sherloc (09022015). Collection method: clinical testing. Allele origin: germline.
Comment: This sequence change replaces arginine, which is basic and polar, with cysteine, which is neutral and slightly polar, at codon 299 of the CETP protein (p.Arg299Cys). This variant is present in population databases (rs142459781, gnomAD 0.04%), and has an allele count higher than expected for a pathogenic variant. This missense change has been observed in individual(s) with elevated HDL cholesterol (PMID: 12091484). This variant is also known as R282C. ClinVar contains an entry for this variant (Variation ID: 2539456). Invitae Evidence Modeling of protein sequence and biophysical properties (such as structural, functional, and spatial information, amino acid conservation, physicochemical variation, residue mobility, and thermodynamic stability) indicates that this missense variant is expected to disrupt CETP protein function with a positive predictive value of 80%. Experimental studies have shown that this missense change affects CETP function (PMID: 12091484, 38039300). In summary, the available evidence is currently insufficient to determine the role of this variant in disease. Therefore, it has been classified as a Variant of Uncertain Significance.

Breakthrough Genomics
Classification: Uncertain significance. Review status: criteria provided, single submitter. Criteria: ACMG Guidelines, 2015. Collection method: not provided. Allele origin: germline. Inheritance: Autosomal dominant inheritance. Affected: yes.

Zotz-Klimas Genetics Lab, MVZ Zotz Klimas
Classification: Uncertain significance for Hyperalphalipoproteinemia 1. Last evaluated: 2023-10-30. Review status: no assertion criteria provided. Collection method: clinical testing. Allele origin: germline. Affected: yes. Not counted in ClinVar's aggregate classification.

Literature cited by the submitters: PubMed 28106320 (cited by Ambry Genetics); PubMed 12091484 (cited by Labcorp Genetics (formerly Invitae), Labcorp); PubMed 38039300 (cited by Labcorp Genetics (formerly Invitae), Labcorp).